The following is an entry in ClinVar:

NM_015178.3(RHOBTB2):c.1988A>G (p.Lys663Arg)

Gene: RHOBTB2 (Rho related BTB domain containing 2; plus strand). Cytogenetic location: 8p21.3.
Variant type: single nucleotide variant.
Coding change: c.1988A>G on transcript NM_015178.3 (MANE Select); coding-DNA position 1988, A replaced by G.
Protein change: p.Lys663Arg; replaces lysine 663 with arginine.
Molecular consequence: missense variant.
Genome position (GRCh38, 1-based): chr8:23,017,273, A>G. VCF-style: chr8-23017273-A-G. GRCh37 (hg19) VCF-style: chr8-22874786-A-G.
Other names: c.2054A>G, p.Lys685Arg (NM_001160036.2); c.2009A>G, p.Lys670Arg (NM_001160037.2); c.1988A>G, p.Lys663Arg (NM_001374791.1); short protein forms K663R, K685R, K670R.
Identifiers: ClinVar variation 2485956 (VCV002485956.5), dbSNP rs1811318382, ClinGen allele CA370577044.

ClinVar aggregate classification (germline): Uncertain significance. Review status: criteria provided, multiple submitters, no conflicts (2 of 4 stars). 2 submissions from 2 submitters: Uncertain significance (2). Last evaluated 2023-02-16.

Conditions:
Inborn genetic diseases. Identifiers: MedGen C0950123, MeSH D030342.

Allele frequency attached by ClinVar (database versions not stated): TOPMed below 0.00001; gnomAD 0.00002.
gnomAD v4.1: 4 of 1,614,036 alleles (0.00025%); highest among the groups gnomAD compares: Admixed American, 0.0067%; no homozygotes.

Submissions (2):

Ambry Genetics
Classification: Uncertain significance for Inborn genetic diseases. Last evaluated: 2023-02-16. Review status: criteria provided, single submitter. Criteria: Ambry Variant Classification Scheme 2023. Collection method: clinical testing. Allele origin: germline.

Labcorp Genetics (formerly Invitae), Labcorp
Classification: Uncertain significance. Last evaluated: 2023-01-19. Review status: criteria provided, single submitter. Criteria: Invitae Variant Classification Sherloc (09022015). Collection method: clinical testing. Allele origin: germline.
Comment: This variant is not present in population databases (gnomAD no frequency). In summary, the available evidence is currently insufficient to determine the role of this variant in disease. Therefore, it has been classified as a Variant of Uncertain Significance. Advanced modeling of protein sequence and biophysical properties (such as structural, functional, and spatial information, amino acid conservation, physicochemical variation, residue mobility, and thermodynamic stability) performed at Invitae indicates that this missense variant is not expected to disrupt RHOBTB2 protein function. This variant has not been reported in the literature in individuals affected with RHOBTB2-related conditions. This sequence change replaces lysine, which is basic and polar, with arginine, which is basic and polar, at codon 685 of the RHOBTB2 protein (p.Lys685Arg).